The following is an entry in ClinVar:

NM_016529.6(ATP8A2):c.158C>T (p.Ala53Val)

Gene: ATP8A2 (ATPase phospholipid transporting 8A2). Cytogenetic location: 13q12.13.
Variant type: single nucleotide variant.
Coding change: c.158C>T on transcript NM_016529.6 (MANE Select); coding-DNA position 158, C replaced by T.
Protein change: p.Ala53Val; replaces alanine 53 with valine.
Molecular consequence: missense variant.
Genome position (GRCh38, 1-based): chr13:25,469,058, C>T. VCF-style: chr13-25469058-C-T. GRCh37 (hg19) VCF-style: chr13-26043196-C-T.
Other names: c.38C>T, p.Ala13Val (NM_001313741.1); short protein forms A53V, A13V.
Identifiers: ClinVar variation 547903 (VCV000547903.38), dbSNP rs202073376, ClinGen allele CA6922463.

ClinVar aggregate classification (germline): Conflicting classifications of pathogenicity. Review status: criteria provided, conflicting classifications (1 of 4 stars). 4 submissions from 4 submitters: Uncertain significance (1); Benign (1); Likely benign (1). 1 of the submissions does not count toward it. Last evaluated 2026-03-01.

Conditions:
ATP8A2-related disorder. Also called: ATP8A2-related condition.
Cerebellar ataxia, impaired intellectual development, and dysequilibrium syndrome 4. Also called: CEREBELLAR ATAXIA AND MENTAL RETARDATION WITH OR WITHOUT QUADRUPEDAL LOCOMOTION 4; Cerebellar ataxia, mental retardation, and dysequilibrium syndrome 4; Cerebellar ataxia, intellectual disability, and dysequilibrium syndrome 4. Identifiers: Orphanet 1766, MedGen C3808977, MONDO:0014104, OMIM 615268.

Allele frequency attached by ClinVar (database versions not stated): gnomAD 0.00073 and 0.00078; TOPMed 0.00069; ESP Exome Variant Server 0.00056.
gnomAD v4.1: 1,118 of 1,613,980 alleles (0.069%); highest among the groups gnomAD compares: Non-Finnish European, 0.065%; 6 homozygotes.

Submissions (5):

CeGaT Center for Human Genetics Tuebingen
Classification: Likely benign. Last evaluated: 2026-03-01. Review status: criteria provided, single submitter. Criteria: CeGaT Center For Human Genetics Tuebingen Variant Classification Criteria Version 2. Collection method: clinical testing. Allele origin: germline. Affected: yes. Observed: 6 variant alleles.
Comment: ATP8A2: BP4, BS2

Labcorp Genetics (formerly Invitae), Labcorp
Classification: Benign. Last evaluated: 2026-01-20. Review status: criteria provided, single submitter. Criteria: Invitae Variant Classification Sherloc (09022015). Collection method: clinical testing. Allele origin: germline.

Mayo Clinic Laboratories, Mayo Clinic
Classification: Uncertain significance for Cerebellar ataxia, impaired intellectual development, and dysequilibrium syndrome 4. Last evaluated: 2017-01-12. Review status: criteria provided, single submitter. Criteria: ACMG Guidelines, 2015. Collection method: clinical testing. Allele origin: maternal.

PreventionGenetics, part of Exact Sciences
Classification: Benign for ATP8A2-related condition. Last evaluated: 2019-09-10. Review status: no assertion criteria provided. Collection method: clinical testing. Allele origin: germline. Not counted in ClinVar's aggregate classification.
Comment: This variant is classified as benign based on ACMG/AMP sequence variant interpretation guidelines (Richards et al. 2015 PMID: 25741868, with internal and published modifications).

Dr. Peter K. Rogan Lab, Western University
No classification provided (evidence only). Condition: Colon adenocarcinoma. Review status: no classification provided. Collection method: in vitro. Allele origin: not applicable. Functional consequence: retained intron. Not counted in ClinVar's aggregate classification.